The following is an entry in ClinVar:

NM_000489.6(ATRX):c.4471A>G (p.Thr1491Ala)

Gene: ATRX (ATRX chromatin remodeler; minus strand). Cytogenetic location: Xq21.1.
Variant type: single nucleotide variant.
Coding change: c.4471A>G on transcript NM_000489.6 (MANE Select); coding-DNA position 4471, A replaced by G.
Protein change: p.Thr1491Ala; replaces threonine 1491 with alanine.
Molecular consequence: missense variant.
Genome position (GRCh38, 1-based): chrX:77,652,200, T>C on the plus strand (A>G on the coding strand, the complement: ATRX is on the minus strand). VCF-style: chrX-77652200-T-C. GRCh37 (hg19) VCF-style: chrX-76907690-T-C.
Other names: c.4357A>G, p.Thr1453Ala (NM_138270.5); short protein forms T1453A, T1491A.
Identifiers: ClinVar variation 3354744 (VCV003354744.3).
Genomic context (GRCh38, chrX:77,652,200, plus strand): 5'-CCCTCTCAGCAATACGTTTTCGTCTCTCTTCCTCTTCCTTAAGAGCATTTTGTGTTTCTG[T>C]TCTCAGTTTATCATCTTTAAGAATCTTCCGAATTTTCTTTCTGCCTTTTCCAGGAGACTT-3'
Protein context (NP_000480.3, residues 1481-1501): RKILKDDKLR[Thr1491Ala]ETQNALKEEE

ClinVar aggregate classification (germline): Uncertain significance. Review status: criteria provided, single submitter (1 of 4 stars). 2 submissions from 2 submitters: Uncertain significance (1). 1 of the submissions does not count toward it. Last evaluated 2024-04-08.

Conditions:
Alpha thalassemia-X-linked intellectual disability syndrome (ATRX). Also called: ALPHA-THALASSEMIA/MENTAL RETARDATION SYNDROME, X-LINKED; ATR, NONDELETION TYPE; ATR-X syndrome; Alpha thalassemia mental retardation syndrome, nondeletion type, X-linked; XLMR hypotonic face syndrome; X-linked alpha-thalassemia-mental retardation syndrome. Identifiers: Orphanet 847, MedGen C1845055, MONDO:0010519, OMIM 301040.
ATRX-related disorder. Also called: ATRX-related condition.

Submissions (2):

Labcorp Genetics (formerly Invitae), Labcorp
Classification: Uncertain significance for Alpha thalassemia-X-linked intellectual disability syndrome. Last evaluated: 2024-04-08. Review status: criteria provided, single submitter. Criteria: Invitae Variant Classification Sherloc (09022015). Collection method: clinical testing. Allele origin: germline.
Comment: This sequence change replaces threonine, which is neutral and polar, with alanine, which is neutral and non-polar, at codon 1491 of the ATRX protein (p.Thr1491Ala). This variant is not present in population databases (gnomAD no frequency). This variant has not been reported in the literature in individuals affected with ATRX-related conditions. Advanced modeling of protein sequence and biophysical properties (such as structural, functional, and spatial information, amino acid conservation, physicochemical variation, residue mobility, and thermodynamic stability) performed at Invitae indicates that this missense variant is not expected to disrupt ATRX protein function with a negative predictive value of 95%. In summary, the available evidence is currently insufficient to determine the role of this variant in disease. Therefore, it has been classified as a Variant of Uncertain Significance.

PreventionGenetics, part of Exact Sciences
Classification: Uncertain significance for ATRX-related condition. Last evaluated: 2024-03-18. Review status: no assertion criteria provided. Collection method: clinical testing. Allele origin: germline. Not counted in ClinVar's aggregate classification.
Comment: The ATRX c.4471A>G variant is predicted to result in the amino acid substitution p.Thr1491Ala. To our knowledge, this variant has not been reported in the literature or in a large population database, indicating this variant is rare. At this time, the clinical significance of this variant is uncertain due to the absence of conclusive functional and genetic evidence.